The following is an entry in ClinVar:

NM_000256.3(MYBPC3):c.436A>C (p.Thr146Pro)

Gene: MYBPC3 (myosin binding protein C3; minus strand). Cytogenetic location: 11p11.2.
Variant type: single nucleotide variant.
Coding change: c.436A>C on transcript NM_000256.3 (MANE Select); coding-DNA position 436, A replaced by C.
Protein change: p.Thr146Pro; replaces threonine 146 with proline.
Molecular consequence: missense variant.
Genome position (GRCh38, 1-based): chr11:47,350,083, T>G on the plus strand (A>C on the coding strand, the complement: MYBPC3 is on the minus strand). VCF-style: chr11-47350083-T-G. GRCh37 (hg19) VCF-style: chr11-47371634-T-G.
Other names: short protein forms T146P.
Identifiers: ClinVar variation 42750 (VCV000042750.25), dbSNP rs397516048, ClinGen allele CA015088.

ClinVar aggregate classification (germline): Conflicting classifications of pathogenicity. Review status: criteria provided, conflicting classifications (1 of 4 stars). 8 submissions from 8 submitters: Uncertain significance (4); Likely benign (4). Last evaluated 2026-03-27.

Conditions:
Cardiovascular phenotype. Identifiers: MedGen CN230736.
Cardiomyopathy (CMYO). Also called: Cardiomyopathies. Identifiers: Orphanet 167848, MedGen C0878544, MONDO:0004994, HP:0001638. Inheritance: Various modes of inheritance.
Hypertrophic cardiomyopathy 4. Also called: Familial hypertrophic cardiomyopathy 4. Identifiers: MedGen C1861862, MONDO:0007268, OMIM 115197.
Hypertrophic cardiomyopathy. Also called: HYPERTROPHIC MYOCARDIOPATHY. Identifiers: Orphanet 217569, MedGen C0007194, MeSH D002312, MONDO:0005045, HP:0001639.

Allele frequency attached by ClinVar (database versions not stated): ExAC below 0.00001; gnomAD 0.00001; gnomAD exomes 0.00002; TOPMed 0.00002.

Submissions (8):

Molecular Diagnostic Laboratory for Inherited Cardiovascular Disease, Montreal Heart Institute
Classification: Likely benign. Last evaluated: 2026-03-27. Review status: criteria provided, single submitter. Criteria: ACMG Guidelines, 2015. Collection method: clinical testing. Allele origin: germline. Affected: no.
Comment: BS4, BP4

Color Diagnostics, LLC DBA Color Health
Classification: Likely benign for Cardiomyopathy. Last evaluated: 2025-08-14. Review status: criteria provided, single submitter. Criteria: ACMG Guidelines, 2015. Collection method: clinical testing. Allele origin: germline.

Ambry Genetics
Classification: Likely benign for Cardiovascular phenotype. Last evaluated: 2025-04-16. Review status: criteria provided, single submitter. Criteria: Ambry Variant Classification Scheme 2023. Collection method: clinical testing. Allele origin: germline.

Labcorp Genetics (formerly Invitae), Labcorp
Classification: Uncertain significance for Hypertrophic cardiomyopathy. Last evaluated: 2025-03-16. Review status: criteria provided, single submitter. Criteria: Invitae Variant Classification Sherloc (09022015). Collection method: clinical testing. Allele origin: germline.
Comment: This sequence change replaces threonine, which is neutral and polar, with proline, which is neutral and non-polar, at codon 146 of the MYBPC3 protein (p.Thr146Pro). This variant is present in population databases (rs397516048, gnomAD 0.009%). This missense change has been observed in individual(s) with hypertrophic cardiomyopathy (PMID: 27532257). ClinVar contains an entry for this variant (Variation ID: 42750). An algorithm developed to predict the effect of missense changes on protein structure and function (PolyPhen-2) suggests that this variant is likely to be tolerated. In summary, the available evidence is currently insufficient to determine the role of this variant in disease. Therefore, it has been classified as a Variant of Uncertain Significance.

Blueprint Genetics
Classification: Likely benign. Last evaluated: 2024-10-31. Review status: criteria provided, single submitter. Criteria: ACMG Guidelines, 2015. Collection method: clinical testing. Allele origin: germline.

All of Us Research Program, National Institutes of Health
Classification: Uncertain significance for Hypertrophic cardiomyopathy. Last evaluated: 2024-09-16. Review status: criteria provided, single submitter. Criteria: ACMG Guidelines, 2015. Collection method: clinical testing. Allele origin: germline. Inheritance: Autosomal dominant inheritance. Observed: 9 variant alleles, 9 heterozygotes.
Comment: This missense variant replaces threonine with proline at codon 146 of the MYBPC3 protein. Computational prediction suggests that this variant may not impact protein structure and function (internally defined REVEL score threshold <= 0.5, PMID: 27666373). To our knowledge, functional studies have not been reported for this variant. This variant has been reported in one individual affected with hypertrophic cardiomyopathy (PMID: 27532257). This variant has been identified in 3/193038 chromosomes in the general population by the Genome Aggregation Database (gnomAD). The available evidence is insufficient to determine the role of this variant in disease conclusively. Therefore, this variant is classified as a Variant of Uncertain Significance.

This study involves interpretation of variants in research participants for the purpose of population health screening. Participant phenotype was not available at the time of variant classification. Additional details can be found in publication PMID: 35346344, PMCID: PMC8962531

MGZ Medical Genetics Center
Classification: Uncertain significance for Hypertrophic cardiomyopathy 4. Last evaluated: 2022-02-14. Review status: criteria provided, single submitter. Criteria: ACMG Guidelines, 2015. Collection method: clinical testing. Allele origin: germline. Affected: yes. Observed: 1 variant allele.
Comment: ACMG criteria applied: PM2_SUP, BP4

Laboratory for Molecular Medicine, Mass General Brigham Personalized Medicine
Classification: Uncertain significance. Last evaluated: 2018-05-02. Review status: criteria provided, single submitter. Criteria: LMM Criteria. Collection method: clinical testing. Allele origin: germline. Observed: 3 variant alleles.
Comment: The p.Thr146Pro variant in MYBPC3 has been identified by our laboratory in 1 adu lt with DCM and PVCs and in 2 adults with HCM, one of whom carried a likely path ogenic variant in another gene. This variant has also been identified in 3/19303 8 chromosomes by the Genome Aggregation Database (gnomAD; dbSNP rs397516048). Computational prediction tools and conservation analysis suggest that the p.Thr146Pro variant may not impact the protein, though this information is not predictive enough to rule out pathogenicity. In summary , the clinical significance of the p.Thr146Pro variant is uncertain. ACMG/AMP Cr iteria applied: PM2; BP4.

Literature cited by the submitters: PubMed 27532257 (cited by 3 submitters).